The following is an entry in ClinVar:

NM_000169.3(GLA):c.146G>A (p.Arg49His)

Genes: GLA (galactosidase alpha; minus strand), RPL36A-HNRNPH2 (RPL36A-HNRNPH2 readthrough; plus strand). Cytogenetic location: Xq22.1.
Variant type: single nucleotide variant.
Coding change: c.146G>A on transcript NM_000169.3 (MANE Select); coding-DNA position 146, G replaced by A.
Protein change: p.Arg49His; replaces arginine 49 with histidine.
Molecular consequence: missense variant. On other transcripts: non-coding transcript variant (3), intron variant (2).
Genome position (GRCh38, 1-based): chrX:101,407,758, C>T on the plus strand (G>A on the coding strand, the complement: GLA is on the minus strand). VCF-style: chrX-101407758-C-T. GRCh37 (hg19) VCF-style: chrX-100662746-C-T.
Other names: c.146G>A, p.Arg49His (NM_001406747.1, NM_001406748.1, NM_001406749.1); c.301-4178C>T (NM_001199973.2); c.178-4178C>T (NM_001199974.2); short protein forms R49H.
Identifiers: ClinVar variation 4087684 (VCV004087684.2).

ClinVar aggregate classification (germline): Uncertain significance (1 of 4 stars; one submission).

Conditions:
Fabry disease. Also called: ALPHA-GALACTOSIDASE A DEFICIENCY; ANDERSON-FABRY DISEASE; CERAMIDE TRIHEXOSIDASE DEFICIENCY; GLA DEFICIENCY; HEREDITARY DYSTOPIC LIPIDOSIS; Angiokeratoma corporis diffusum. Identifiers: Orphanet 324, MedGen C0002986, MONDO:0010526, OMIM 301500, HP:0001071. Disease mechanism: Fabry disease is due to inactivating mutations in the X-linked GLA gene resulting in deficiency of the enzyme Alpha Galactosidase-A., loss of function.

Submission:

Genomenon, Inc
Classification: Uncertain significance for Fabry disease. Last evaluated: 2026-09-08. Review status: criteria provided, single submitter. Criteria: Genomenon Sequence Variant Interpretation Standards - Updated. Collection method: curation. Allele origin: germline. Affected: no.
Comment: GLA p.Arg49His (c.146G>A) is a missense variant that changes the amino acid at codon 49 from Arginine to Histidine. This variant has been reported in the published literature (PMID:30988410;37914990). This variant is located in a mutational hotspot and/or important functional domain. It is absent or not present at a significant frequency in gnomAD. In silico models predict that this variant is possibly or probably damaging. In conclusion, we classify GLA p.Arg49His (c.146G>A) as a variant of uncertain significance.

Literature cited by the submitters: PubMed 30988410; PubMed 37914990.